The following is an entry in ClinVar:

ClinVar aggregate classification (germline): Likely benign (1 of 4 stars; one submission).

Conditions:
Retinitis pigmentosa (RP). Identifiers: Orphanet 791, MedGen C0035334, MeSH D012174, MONDO:0019200, OMIM 268000. Inheritance: Autosomal dominant, autosomal recessive and X linked inheritance.

Allele frequency attached by ClinVar (database versions not stated): 1000 Genomes Project 0.00040; 1000 Genomes Project 30x 0.00047; TOPMed 0.00137; gnomAD 0.00185 and 0.00193; gnomAD exomes 0.00263.
gnomAD v4.1: 3,545 of 1,418,568 alleles (0.25%); highest among the groups gnomAD compares: Non-Finnish European, 0.31%; 6 homozygotes.

Submission:

Illumina Laboratory Services, Illumina
Classification: Likely benign for Retinitis pigmentosa. Last evaluated: 2018-01-13. Review status: criteria provided, single submitter. Criteria: ICSL Variant Classification Criteria 13 December 2019. Collection method: clinical testing. Allele origin: germline.
Comment: This variant was observed in the ICSL laboratory as part of a predisposition screen in an ostensibly healthy population. It had not been previously curated by ICSL or reported in the Human Gene Mutation Database (HGMD: prior to June 1st, 2018), and was therefore a candidate for classification through an automated scoring system. Utilizing variant allele frequency, disease prevalence and penetrance estimates, and inheritance mode, an automated score was calculated to assess if this variant is too frequent to cause the disease. Based on the score and internal cut-off values, a variant classified as likely benign is not then subjected to further curation. The score for this variant resulted in a classification of likely benign for this disease.

NM_014014.5(SNRNP200):c.*101A>G

Gene: SNRNP200 (small nuclear ribonucleoprotein U5 subunit 200; minus strand). Cytogenetic location: 2q11.2.
Variant type: single nucleotide variant.
Coding change: c.*101A>G on transcript NM_014014.5 (MANE Select); 101 bases downstream of the stop codon, A replaced by G.
Molecular consequence: 3 prime UTR variant.
Genome position (GRCh38, 1-based): chr2:96,274,911, T>C on the plus strand (A>G on the coding strand, the complement: SNRNP200 is on the minus strand). VCF-style: chr2-96274911-T-C. GRCh37 (hg19) VCF-style: chr2-96940649-T-C.
Identifiers: ClinVar variation 337521 (VCV000337521.5), dbSNP rs184527047, ClinGen allele CA10616503.